The following is an entry in ClinVar:

NM_012448.4(STAT5B):c.448G>A (p.Glu150Lys)

Gene: STAT5B (signal transducer and activator of transcription 5B; minus strand). Cytogenetic location: 17q21.2.
Variant type: single nucleotide variant.
Coding change: c.448G>A on transcript NM_012448.4 (MANE Select); coding-DNA position 448, G replaced by A.
Protein change: p.Glu150Lys; replaces glutamic acid 150 with lysine.
Molecular consequence: missense variant.
Genome position (GRCh38, 1-based): chr17:42,223,484, C>T on the plus strand (G>A on the coding strand, the complement: STAT5B is on the minus strand). VCF-style: chr17-42223484-C-T. GRCh37 (hg19) VCF-style: chr17-40375502-C-T.
Other names: short protein forms E150K.
Identifiers: ClinVar variation 2747080 (VCV002747080.3), dbSNP rs780393081, ClinGen allele CA8574274.

ClinVar aggregate classification (germline): Uncertain significance (1 of 4 stars; one submission).

Conditions:
Growth hormone insensitivity with immune dysregulation 1, autosomal recessive. Also called: LARON SYNDROME DUE TO POSTRECEPTOR DEFECT; GROWTH HORMONE INSENSITIVITY SYNDROME WITH IMMUNE DYSREGULATION 1, AUTOSOMAL RECESSIVE; GROWTH HORMONE INSENSITIVITY DUE TO POSTRECEPTOR DEFECT; Laron syndrome with immunodeficiency. Identifiers: Orphanet 220465, MedGen C5435698, MONDO:0100211, OMIM 245590.

Allele frequency attached by ClinVar (database versions not stated): gnomAD exomes below 0.00001; TOPMed 0.00001; ExAC 0.00002.
gnomAD v4.1: 8 of 1,614,136 alleles (0.0005%); highest among the groups gnomAD compares: South Asian, 0.0066%; no homozygotes.

Submission:

Labcorp Genetics (formerly Invitae), Labcorp
Classification: Uncertain significance for Growth hormone insensitivity with immune dysregulation 1, autosomal recessive. Last evaluated: 2023-07-26. Review status: criteria provided, single submitter. Criteria: Invitae Variant Classification Sherloc (09022015). Collection method: clinical testing. Allele origin: germline.
Comment: In summary, the available evidence is currently insufficient to determine the role of this variant in disease. Therefore, it has been classified as a Variant of Uncertain Significance. Advanced modeling of protein sequence and biophysical properties (such as structural, functional, and spatial information, amino acid conservation, physicochemical variation, residue mobility, and thermodynamic stability) performed at Invitae indicates that this missense variant is not expected to disrupt STAT5B protein function. This variant has not been reported in the literature in individuals affected with STAT5B-related conditions. This variant is present in population databases (rs780393081, gnomAD 0.01%). This sequence change replaces glutamic acid, which is acidic and polar, with lysine, which is basic and polar, at codon 150 of the STAT5B protein (p.Glu150Lys).